The following is an entry in ClinVar:

NM_000152.5(GAA):c.1057del (p.Gln353fs)

Gene: GAA (alpha glucosidase; plus strand). Cytogenetic location: 17q25.3.
Variant type: Deletion.
Coding change: c.1057del on transcript NM_000152.5 (MANE Select); coding-DNA position 1057, one base deleted (C; older notation c.1057delC).
Protein change: p.Gln353fs; shifts the reading frame from glutamine 353.
Molecular consequence: frameshift variant.
Genome position (GRCh38, 1-based): chr17:80,108,391, C deleted. VCF-style (leftmost placement, unchanged base first): chr17-80108390-GC-G. GRCh37 (hg19) VCF-style: chr17-78082189-GC-G.
Other names: NM_001079804.3:c.1057del; c.1057del, p.Gln353fs (NM_001079803.3, NM_001079804.3); short protein forms Q353fs.
Identifiers: ClinVar variation 1327499 (VCV001327499.4), dbSNP rs2143853690, ClinGen allele CA891862619.

ClinVar aggregate classification (germline): Pathogenic. Review status: reviewed by expert panel (3 of 4 stars). 2 submissions from 2 submitters: Pathogenic (1). 1 of the submissions does not count toward it. Last evaluated 2021-08-19.

Conditions:
Glycogen storage disease, type II (IOPD). Also called: CARDIOMEGALIA GLYCOGENICA DIFFUSA; GLYCOGENOSIS, GENERALIZED, CARDIAC FORM; GSD II; POMPE DISEASE, INFANTILE-ONSET; GLYCOGEN STORAGE DISEASE II, INFANTILE-ONSET; ACID ALPHA-GLUCOSIDASE DEFICIENCY, INFANTILE-ONSET. Identifiers: Orphanet 365, MedGen C0017921, MONDO:0009290, OMIM 232300.

Submissions (2):

ClinGen Lysosomal Storage Disorder Variant Curation Expert Panel
Classification: Pathogenic for Glycogen storage disease, type II. Last evaluated: 2021-08-19. Review status: reviewed by expert panel. Criteria: clingen_lsd_acmg_specifications_v2-1. Collection method: curation. Allele origin: germline. Inheritance: Autosomal recessive inheritance.
Comment: The c.1057del (p.Gln353SerfsTer39) variant in GAA is a frameshift variant predicted to cause a premature stop codon and to lead to nonsense mediated decay in a gene in which loss-of-function is an established disease mechanism (PVS1). One patient with this variant displayed clinical features consistent with infantile-onset Pompe disease and was treated with enzyme replacement therapy (PP4_Moderate)(PMID: 29181627). This individual is compound heterozygous for the variant and a pathogenic variant, c.1057del, phase unconfirmed (PM3_Supporting)(PMID 29181627). The variant is absent from gnomAD v2.1.1 (PM2_Supporting). There is no ClinVar entry for this variant. In summary, this variant meets the criteria to be classified as pathogenic for Pompe disease. GAA-specific ACMG/AMP criteria met, as specified by the ClinGen LSD VCEP (Specification Version 2.0): PVS1, PP4_Moderate, PM2_Supporting, PM3_Supporting. (Classification approved on August 17th, 2021)

Genomenon, Inc
Classification: Pathogenic for Glycogen storage disease, type II. Last evaluated: 2026-07-01. Review status: criteria provided, single submitter. Criteria: Genomenon Sequence Variant Interpretation Standards - Updated. Collection method: curation. Allele origin: germline. Affected: yes. Not counted in ClinVar's aggregate classification.
Comment: GAA p.Gln353SerfsTer39 (c.1057del) is a frameshift variant that is predicted to introduce a premature termination codon and result in a truncated or absent protein product. This variant has been observed in at least one proband with a GAA-related disorder (PMID:29181627). It is absent or not present at a significant frequency in gnomAD. In conclusion, we classify GAA p.Gln353SerfsTer39 (c.1057del) as a pathogenic variant.

Literature cited by the submitters: PubMed 29181627 (cited by Genomenon, Inc).